The following is an entry in ClinVar:

NM_001267550.2(TTN):c.107800G>A (p.Gly35934Arg)

Genes: TTN-AS1 (TTN antisense RNA 1; plus strand), TTN (titin; minus strand). Cytogenetic location: 2q31.2.
Variant type: single nucleotide variant.
Coding change: c.107800G>A on transcript NM_001267550.2 (MANE Select); coding-DNA position 107800, G replaced by A.
Protein change: p.Gly35934Arg; replaces glycine 35934 with arginine.
Molecular consequence: missense variant.
Genome position (GRCh38, 1-based): chr2:178,527,188, C>T on the plus strand (G>A on the coding strand, the complement: TTN is on the minus strand). VCF-style: chr2-178527188-C-T. GRCh37 (hg19) VCF-style: chr2-179391915-C-T.
Other names: c.102877G>A, p.Gly34293Arg (NM_001256850.1); c.80605G>A, p.Gly26869Arg (NM_003319.4); c.100096G>A, p.Gly33366Arg (NM_133378.4); c.80980G>A, p.Gly26994Arg (NM_133432.3); c.81181G>A, p.Gly27061Arg (NM_133437.4); short protein forms G35934R, G26869R, G26994R, G33366R, G27061R, G34293R.
Identifiers: ClinVar variation 967965 (VCV000967965.10), dbSNP rs368277535, ClinGen allele CA60948776.

ClinVar aggregate classification (germline): Uncertain significance. Review status: criteria provided, multiple submitters, no conflicts (2 of 4 stars). 2 submissions from 2 submitters: Uncertain significance (2). Last evaluated 2025-11-05.

Conditions:
Cardiovascular phenotype. Identifiers: MedGen CN230736.
Dilated cardiomyopathy 1G (CMD1G). Identifiers: Orphanet 154, MedGen C1858763, MONDO:0011400, OMIM 604145.
Autosomal recessive limb-girdle muscular dystrophy type 2J (LGMDR10). Also called: Limb-girdle muscular dystrophy, type 2J; MUSCULAR DYSTROPHY, LIMB-GIRDLE, AUTOSOMAL RECESSIVE 10. Identifiers: Orphanet 140922, MedGen C1837342, MONDO:0012127, OMIM 608807.

Submissions (2):

Labcorp Genetics (formerly Invitae), Labcorp
Classification: Uncertain significance for Dilated cardiomyopathy 1G; Autosomal recessive limb-girdle muscular dystrophy type 2J. Last evaluated: 2025-11-05. Review status: criteria provided, single submitter. Criteria: Invitae Variant Classification Sherloc (09022015). Collection method: clinical testing. Allele origin: germline.
Comment: This sequence change replaces glycine, which is neutral and non-polar, with arginine, which is basic and polar, at codon 35934 of the TTN protein (p.Gly35934Arg). This variant is not present in population databases (gnomAD no frequency). This variant has not been reported in the literature in individuals affected with TTN-related conditions. ClinVar contains an entry for this variant (Variation ID: 967965). Experimental studies and prediction algorithms are not available or were not evaluated, and the functional significance of this variant is currently unknown. This variant is located in the M band of TTN (PMID: 25589632). Non-truncating variants in this region may be relevant for neuromuscular disorders, but have not been definitively shown to cause cardiomyopathy (PMID: 23975875). In summary, the available evidence is currently insufficient to determine the role of this variant in disease. Therefore, it has been classified as a Variant of Uncertain Significance.

Ambry Genetics
Classification: Uncertain significance for Cardiovascular phenotype. Last evaluated: 2019-07-26. Review status: criteria provided, single submitter. Criteria: Ambry Variant Classification Scheme 2023. Collection method: clinical testing. Allele origin: germline.
Comment: The p.G26869R variant (also known as c.80605G>A), located in coding exon 190 of the TTN gene, results from a G to A substitution at nucleotide position 80605. The glycine at codon 26869 is replaced by arginine, an amino acid with dissimilar properties. This amino acid position is highly conserved in available vertebrate species. In addition, the in silico prediction for this alteration is inconclusive. Since supporting evidence is limited at this time, the clinical significance of this alteration remains unclear.

Literature cited by the submitters: PubMed 25589632 (cited by Labcorp Genetics (formerly Invitae), Labcorp); PubMed 23975875 (cited by Labcorp Genetics (formerly Invitae), Labcorp).